The following is an entry in ClinVar:

NM_182961.4(SYNE1):c.23771G>A (p.Arg7924Lys)

Gene: SYNE1 (spectrin repeat containing nuclear envelope protein 1; minus strand). Cytogenetic location: 6q25.2.
Variant type: single nucleotide variant.
Coding change: c.23771G>A on transcript NM_182961.4 (MANE Select); coding-DNA position 23771, G replaced by A.
Protein change: p.Arg7924Lys; replaces arginine 7924 with lysine.
Molecular consequence: missense variant.
Genome position (GRCh38, 1-based): chr6:152,164,182, C>T on the plus strand (G>A on the coding strand, the complement: SYNE1 is on the minus strand). VCF-style: chr6-152164182-C-T. GRCh37 (hg19) VCF-style: chr6-152485317-C-T.
Other names: c.23558G>A (NM_033071.3); c.377G>A, p.Arg126Lys (NM_001347701.2); c.236G>A, p.Arg79Lys (NM_001347702.2); c.23558G>A, p.Arg7853Lys (NM_033071.5); short protein forms R126K, R7853K, R7924K, R79K.
Identifiers: ClinVar variation 1059189 (VCV001059189.11), dbSNP rs1178007789, ClinGen allele CA366088552.
Genomic context (GRCh38, chr6:152,164,182, plus strand): 5'-ATTCCATGGCTTATTAATTCCATTTCCATTTTAAGTCTTACCTGCTGCTCATTAAGCTTT[C>T]TCTGTATTTCTTCCGAGTTACAGGAATCGTAGACTATTGGCTTGGCCAGCTCTGACTCGA-3'
Protein context (NP_892006.3, residues 7914-7934): YDSCNSEEIQ[Arg7924Lys]KLNEQQELQR

ClinVar aggregate classification (germline): Uncertain significance. Review status: criteria provided, multiple submitters, no conflicts (2 of 4 stars). 2 submissions from 2 submitters: Uncertain significance (2). Last evaluated 2025-06-26.

Conditions:
Emery-Dreifuss muscular dystrophy 4, autosomal dominant (EDMD4). Also called: EMERY-DREIFUSS MUSCULAR DYSTROPHY 4 WITH VARIABLE FEATURES. Identifiers: Orphanet 261, MedGen C2751807, MONDO:0013071, OMIM 612998.
Autosomal recessive ataxia, Beauce type. Also called: Spinocerebellar ataxia, autosomal recessive 8; ATAXIA, RECESSIVE, OF BEAUCE; SYNE1 Deficiency; SYNE1-Related Autosomal Recessive Cerebellar Ataxia. Identifiers: Orphanet 88644, MedGen C1853116, MONDO:0012549, OMIM 610743.

Allele frequency attached by ClinVar (database versions not stated): gnomAD exomes below 0.00001; gnomAD 0.00001.
gnomAD v4.1: 3 of 1,614,062 alleles (0.00019%); highest among the groups gnomAD compares: Admixed American, 0.005%; no homozygotes.

Submissions (2):

Revvity Omics, Revvity
Classification: Uncertain significance. Last evaluated: 2025-06-26. Review status: criteria provided, single submitter. Criteria: ACMG Guidelines, 2015. Collection method: clinical testing. Allele origin: germline.

Labcorp Genetics (formerly Invitae), Labcorp
Classification: Uncertain significance for Emery-Dreifuss muscular dystrophy 4, autosomal dominant; Autosomal recessive ataxia, Beauce type. Last evaluated: 2022-06-13. Review status: criteria provided, single submitter. Criteria: Invitae Variant Classification Sherloc (09022015). Collection method: clinical testing. Allele origin: germline.
Comment: In summary, the available evidence is currently insufficient to determine the role of this variant in disease. Therefore, it has been classified as a Variant of Uncertain Significance. Algorithms developed to predict the effect of missense changes on protein structure and function output the following: SIFT: "Tolerated"; PolyPhen-2: "Benign"; Align-GVGD: "Class C0". The lysine amino acid residue is found in multiple mammalian species, which suggests that this missense change does not adversely affect protein function. ClinVar contains an entry for this variant (Variation ID: 1059189). This variant has not been reported in the literature in individuals affected with SYNE1-related conditions. This variant is present in population databases (no rsID available, gnomAD 0.003%). This sequence change replaces arginine, which is basic and polar, with lysine, which is basic and polar, at codon 7853 of the SYNE1 protein (p.Arg7853Lys).